The following is an entry in ClinVar:

NM_001999.4(FBN2):c.581A>C (p.Asn194Thr)

Gene: FBN2 (fibrillin 2; minus strand). Cytogenetic location: 5q23.3.
Variant type: single nucleotide variant.
Coding change: c.581A>C on transcript NM_001999.4 (MANE Select); coding-DNA position 581, A replaced by C.
Protein change: p.Asn194Thr; replaces asparagine 194 with threonine.
Molecular consequence: missense variant.
Genome position (GRCh38, 1-based): chr5:128,519,320, T>G on the plus strand (A>C on the coding strand, the complement: FBN2 is on the minus strand). VCF-style: chr5-128519320-T-G. GRCh37 (hg19) VCF-style: chr5-127855013-T-G.
Other names: short protein forms N194T.
Identifiers: ClinVar variation 2661963 (VCV002661963.2), dbSNP rs535781418, ClinGen allele CA3396067.

ClinVar aggregate classification (germline): Conflicting classifications of pathogenicity. Review status: criteria provided, conflicting classifications (1 of 4 stars). 2 submissions from 2 submitters: Uncertain significance (1); Likely benign (1). Last evaluated 2025-06-07.

Conditions:
Congenital contractural arachnodactyly (CCA). Also called: BEALS SYNDROME; Arthrogryposis, distal, type 9; Beals-Hecht syndrome. Identifiers: Orphanet 115, MedGen C0220668, MONDO:0007363, OMIM 121050.

Allele frequency attached by ClinVar (database versions not stated): ExAC 0.00001; gnomAD 0.00001; 1000 Genomes Project 0.00020; 1000 Genomes Project 30x 0.00031.
gnomAD v4.1: 1 of 1,614,028 alleles (0.000062%); highest among the groups gnomAD compares: African/African-American, 0.0013%; no homozygotes.

Submissions (2):

Labcorp Genetics (formerly Invitae), Labcorp
Classification: Likely benign for Congenital contractural arachnodactyly. Last evaluated: 2025-06-07. Review status: criteria provided, single submitter. Criteria: Invitae Variant Classification Sherloc (09022015). Collection method: clinical testing. Allele origin: germline.

GeneDx
Classification: Uncertain significance. Last evaluated: 2023-04-06. Review status: criteria provided, single submitter. Criteria: GeneDx Variant Classification Process June 2021. Collection method: clinical testing. Allele origin: germline. Affected: yes.
Comment: Has not been previously published as pathogenic or benign to our knowledge; Not observed at significant frequency in large population cohorts (gnomAD); Although located in a calcium-binding EGF-like domain of the FBN2 gene, it does not substitute or introduce a cysteine residue (Callewaert et al., 2009; Frederic et al., 2009); In silico analysis supports that this missense variant has a deleterious effect on protein structure/function